The following is an entry in ClinVar:

NM_016616.5(NME8):c.1608G>C (p.Met536Ile)

Gene: NME8 (NME/NM23 family member 8; plus strand). Cytogenetic location: 7p14.1.
Variant type: single nucleotide variant.
Coding change: c.1608G>C on transcript NM_016616.5 (MANE Select); coding-DNA position 1608, G replaced by C.
Protein change: p.Met536Ile; replaces methionine 536 with isoleucine.
Molecular consequence: missense variant.
Genome position (GRCh38, 1-based): chr7:37,896,933, G>C. VCF-style: chr7-37896933-G-C. GRCh37 (hg19) VCF-style: chr7-37936535-G-C.
Other names: short protein forms M536I.
Identifiers: ClinVar variation 4808884 (VCV004808884.1).

ClinVar aggregate classification (germline): Uncertain significance (1 of 4 stars; one submission).

Conditions:
Primary ciliary dyskinesia 6. Also called: Primary Ciliary Dyskinesia 6: TXNDC3-Related Primary Ciliary Dyskinesia. Identifiers: Orphanet 244, MedGen C1970506, MONDO:0012571, OMIM 610852.

gnomAD v4.1: 2 of 1,613,690 alleles (0.00012%); highest among the groups gnomAD compares: Non-Finnish European, 0.00017%; no homozygotes.

Submission:

Labcorp Genetics (formerly Invitae), Labcorp
Classification: Uncertain significance for Primary ciliary dyskinesia 6. Last evaluated: 2025-06-03. Review status: criteria provided, single submitter. Criteria: Invitae Variant Classification Sherloc (09022015). Collection method: clinical testing. Allele origin: germline.
Comment: This sequence change replaces methionine, which is neutral and non-polar, with isoleucine, which is neutral and non-polar, at codon 536 of the NME8 protein (p.Met536Ile). This variant is not present in population databases (gnomAD no frequency). This variant has not been reported in the literature in individuals affected with NME8-related conditions. Invitae Evidence Modeling of protein sequence and biophysical properties (such as structural, functional, and spatial information, amino acid conservation, physicochemical variation, residue mobility, and thermodynamic stability) indicates that this missense variant is not expected to disrupt NME8 protein function with a negative predictive value of 80%. In summary, the available evidence is currently insufficient to determine the role of this variant in disease. Therefore, it has been classified as a Variant of Uncertain Significance.